The following is an entry in ClinVar:

ClinVar aggregate classification (germline): Uncertain significance (1 of 4 stars; one submission).

Submission:

Labcorp Genetics (formerly Invitae), Labcorp
Classification: Uncertain significance. Last evaluated: 2022-05-27. Review status: criteria provided, single submitter. Criteria: Invitae Variant Classification Sherloc (09022015). Collection method: clinical testing. Allele origin: germline.
Comment: In summary, the available evidence is currently insufficient to determine the role of this variant in disease. Therefore, it has been classified as a Variant of Uncertain Significance. Algorithms developed to predict the effect of missense changes on protein structure and function are either unavailable or do not agree on the potential impact of this missense change (SIFT: "Deleterious"; PolyPhen-2: "Benign"; Align-GVGD: "Class C0"). This variant has not been reported in the literature in individuals affected with RBP3-related conditions. This variant is not present in population databases (gnomAD no frequency). This sequence change replaces glutamine, which is neutral and polar, with proline, which is neutral and non-polar, at codon 518 of the RBP3 protein (p.Gln518Pro).

NM_002900.3(RBP3):c.1553A>C (p.Gln518Pro)

Gene: RBP3 (retinol binding protein 3; plus strand). Cytogenetic location: 10q11.22.
Variant type: single nucleotide variant.
Coding change: c.1553A>C on transcript NM_002900.3 (MANE Select); coding-DNA position 1553, A replaced by C.
Protein change: p.Gln518Pro; replaces glutamine 518 with proline.
Molecular consequence: missense variant.
Genome position (GRCh38, 1-based): chr10:47,350,037, A>C. VCF-style: chr10-47350037-A-C. GRCh37 (hg19) VCF-style: chr10-48389325-T-G.
Other names: short protein forms Q518P.
Identifiers: ClinVar variation 1954135 (VCV001954135.3), dbSNP rs563600593, ClinGen allele CA376670264.